The following is an entry in ClinVar:

ClinVar aggregate classification (germline): Uncertain significance. Review status: criteria provided, multiple submitters, no conflicts (2 of 4 stars). 2 submissions from 2 submitters: Uncertain significance (2). Last evaluated 2022-10-05.

Conditions:
Inborn genetic diseases. Identifiers: MedGen C0950123, MeSH D030342.

Allele frequency attached by ClinVar (database versions not stated): gnomAD 0.00001; TOPMed 0.00001; gnomAD exomes 0.00002; ExAC 0.00003.

Submissions (2):

Labcorp Genetics (formerly Invitae), Labcorp
Classification: Uncertain significance. Last evaluated: 2022-10-05. Review status: criteria provided, single submitter. Criteria: Invitae Variant Classification Sherloc (09022015). Collection method: clinical testing. Allele origin: germline.
Comment: This sequence change replaces arginine, which is basic and polar, with cysteine, which is neutral and slightly polar, at codon 584 of the CCDC88C protein (p.Arg584Cys). This variant is present in population databases (rs777129717, gnomAD 0.01%). This variant has not been reported in the literature in individuals affected with CCDC88C-related conditions. Algorithms developed to predict the effect of missense changes on protein structure and function are either unavailable or do not agree on the potential impact of this missense change (SIFT: "Deleterious"; PolyPhen-2: "Benign"; Align-GVGD: "Class C0"). In summary, the available evidence is currently insufficient to determine the role of this variant in disease. Therefore, it has been classified as a Variant of Uncertain Significance.

Ambry Genetics
Classification: Uncertain significance for Inborn genetic diseases. Last evaluated: 2022-09-22. Review status: criteria provided, single submitter. Criteria: Ambry Variant Classification Scheme 2023. Collection method: clinical testing. Allele origin: germline.

NM_001080414.4(CCDC88C):c.1750C>T (p.Arg584Cys)

Gene: CCDC88C (coiled-coil domain containing 88C; minus strand). Cytogenetic location: 14q32.11.
Variant type: single nucleotide variant.
Coding change: c.1750C>T on transcript NM_001080414.4 (MANE Select); coding-DNA position 1750, C replaced by T.
Protein change: p.Arg584Cys; replaces arginine 584 with cysteine.
Molecular consequence: missense variant.
Genome position (GRCh38, 1-based): chr14:91,314,066, G>A on the plus strand (C>T on the coding strand, the complement: CCDC88C is on the minus strand). VCF-style: chr14-91314066-G-A. GRCh37 (hg19) VCF-style: chr14-91780410-G-A.
Other names: short protein forms R584C.
Identifiers: ClinVar variation 1915187 (VCV001915187.3), dbSNP rs777129717, ClinGen allele CA7309819.